The following is an entry in ClinVar:

NM_017866.6(TMEM70):c.720_723del (p.Glu241fs)

Gene: TMEM70 (transmembrane protein 70; plus strand). Cytogenetic location: 8q21.11.
Variant type: Deletion.
Coding change: c.720_723del on transcript NM_017866.6 (MANE Select); coding-DNA positions 720 to 723, 4 bases deleted (AGAA; older notation c.720_723delAGAA).
Protein change: p.Glu241fs; shifts the reading frame from glutamic acid 241.
Molecular consequence: frameshift variant. On other transcripts: 3 prime UTR variant (1), non-coding transcript variant (1).
Genome position (GRCh38, 1-based): chr8:73,981,558-73,981,561, AGAA deleted; deleting any 4 consecutive bases within chr8:73,981,556-73,981,561 gives the same sequence; the c. name uses the placement nearest the transcript's 3' end. VCF-style (leftmost placement, unchanged base first): chr8-73981555-CAAAG-C. GRCh37 (hg19) VCF-style: chr8-74893790-CAAAG-C.
Other names: p.Glu241Asnfs*24; c.*410_*413del (NM_001040613.3); short protein forms E241fs.
Identifiers: ClinVar variation 283424 (VCV000283424.16), dbSNP rs746973761, ClinGen allele CA4784101.

ClinVar aggregate classification (germline): Conflicting classifications of pathogenicity. Review status: criteria provided, conflicting classifications (1 of 4 stars). 6 submissions from 6 submitters: Likely pathogenic (2); Uncertain significance (4). Last evaluated 2025-11-09.

Conditions:
TMEM70-related disorder. Also called: TMEM70-related condition.
Mitochondrial complex V (ATP synthase) deficiency, nuclear type 2. Also called: ENCEPHALOCARDIOMYOPATHY, MITOCHONDRIAL, NEONATAL, DUE TO ATP SYNTHASE DEFICIENCY; Nuclear-Encoded ATPase Deficiency, TMEM70-Related; MITOCHONDRIAL COMPLEX V (ATP SYNTHASE) DEFICIENCY, TMEM70 TYPE. Identifiers: Orphanet 1194, MedGen C3279699, MONDO:0013546, OMIM 614052.

Submissions (6):

Mayo Clinic Laboratories, Mayo Clinic
Classification: Uncertain significance. Last evaluated: 2025-11-09. Review status: criteria provided, single submitter. Criteria: ACMG Guidelines, 2015. Collection method: clinical testing. Allele origin: germline. Observed: 1 variant allele.
Comment: BS2_supporting, PVS1_moderate

Labcorp Genetics (formerly Invitae), Labcorp
Classification: Uncertain significance for Mitochondrial complex V (ATP synthase) deficiency, nuclear type 2. Last evaluated: 2025-01-28. Review status: criteria provided, single submitter. Criteria: Invitae Variant Classification Sherloc (09022015). Collection method: clinical testing. Allele origin: germline.
Comment: This sequence change results in a frameshift in the TMEM70 gene (p.Glu241Asnfs*24). While this is not anticipated to result in nonsense mediated decay, it is expected to disrupt the last 20 amino acid(s) of the TMEM70 protein and extend the protein by 3 additional amino acid residues. This variant is present in population databases (rs746973761, gnomAD 0.02%). This variant has not been reported in the literature in individuals affected with TMEM70-related conditions. ClinVar contains an entry for this variant (Variation ID: 283424). Experimental studies and prediction algorithms are not available or were not evaluated, and the functional significance of this variant is currently unknown. In summary, the available evidence is currently insufficient to determine the role of this variant in disease. Therefore, it has been classified as a Variant of Uncertain Significance.

GeneDx
Classification: Uncertain significance. Last evaluated: 2024-07-17. Review status: criteria provided, single submitter. Criteria: GeneDx Variant Classification Process June 2021. Collection method: clinical testing. Allele origin: germline. Affected: yes.
Comment: Frameshift variant predicted to result in abnormal protein length as the last 20 amino acids are replaced with 23 different amino acids; Has not been previously published as pathogenic or benign to our knowledge; This variant is associated with the following publications: (PMID: 31589614)

Fulgent Genetics
Classification: Uncertain significance for Mitochondrial complex V (ATP synthase) deficiency, nuclear type 2. Last evaluated: 2024-06-21. Review status: criteria provided, single submitter. Criteria: ACMG Guidelines, 2015. Collection method: clinical testing. Allele origin: germline.

Blueprint Genetics
Classification: Likely pathogenic for TMEM70-related disorders. Last evaluated: 2024-06-07. Review status: criteria provided, single submitter. Criteria: ACMG Guidelines, 2015. Collection method: clinical testing. Allele origin: germline. Affected: yes. Observed: 5 variant alleles.

Eurofins Ntd Llc (ga)
Classification: Likely pathogenic. Last evaluated: 2015-09-21. Review status: criteria provided, single submitter. Criteria: EGL Classification Definitions 2015. Collection method: clinical testing. Allele origin: germline.

Literature cited by the submitters: PubMed 31589614 (cited by Mayo Clinic Laboratories, Mayo Clinic).